The following is an entry in ClinVar:

ClinVar aggregate classification (germline): Benign. Review status: reviewed by expert panel (3 of 4 stars). 24 submissions from 23 submitters: Benign (1). 23 of the submissions do not count toward it. Last evaluated 2019-06-18.

Conditions:
BRCA2-related disorder. Also called: BRCA2-related condition; BRCA2-related disorders. Identifiers: MedGen CN239275.
Breast and/or ovarian cancer. Identifiers: MedGen CN221562.
Hereditary cancer-predisposing syndrome. Also called: Neoplastic Syndromes, Hereditary; Tumor predisposition; Hereditary Cancer Syndrome; Hereditary neoplastic syndrome. Identifiers: Orphanet 140162, MedGen C0027672, MeSH D009386, MONDO:0015356.
Hereditary breast ovarian cancer syndrome. Also called: Hereditary breast and ovarian cancer; Breast and ovarian cancer; Hereditary breast and/or ovarian cancer syndrome; Hereditary breast and ovarian cancer syndrome (HBOC); Hereditary breast and ovarian cancer syndrome; BRCA1- and BRCA2-Associated Hereditary Breast and Ovarian Cancer. Identifiers: Orphanet 145, MedGen C0677776, MeSH D061325, MONDO:0003582. Disease mechanism: loss of function.
Breast-ovarian cancer, familial, susceptibility to, 2 (BROVCA2). Also called: BRCA2 Hereditary Breast and Ovarian Cancer. Identifiers: Orphanet 145, MedGen C2675520, MONDO:0012933, OMIM 612555. Disease mechanism: loss of function.
Fanconi anemia complementation group D1. Also called: BRCA2-Related Fanconi Anemia. Identifiers: Orphanet 319462, MedGen C1838457, MONDO:0011584, OMIM 605724.
Malignant tumor of breast. Also called: Malignant breast neoplasm; Cancer breast. Identifiers: MedGen C0006142, MONDO:0007254. Disease mechanism: loss of function.

Allele frequency attached by ClinVar (database versions not stated): ExAC 0.00013; 1000 Genomes Project 30x 0.00016; 1000 Genomes Project 0.00020; gnomAD exomes 0.00023 and 0.00040; TOPMed 0.00041; ESP Exome Variant Server 0.00046; gnomAD 0.00048 and 0.00049.
gnomAD v4.1: 651 of 1,613,748 alleles (0.04%); highest among the groups gnomAD compares: Admixed American, 0.1%; 1 homozygote.

Submissions 1 to 20 of 24:

Evidence-based Network for the Interpretation of Germline Mutant Alleles (ENIGMA)
Classification: Benign for Breast-ovarian cancer, familial, susceptibility to, 2. Last evaluated: 2019-06-18. Review status: reviewed by expert panel. Criteria: ENIGMA BRCA1/2 Classification Criteria (2017-06-29). Collection method: curation. Allele origin: germline.
Comment: IARC class based on posterior probability from multifactorial likelihood analysis, thresholds for class as per Plon et al. 2008 (PMID: 18951446). Class 1 based on posterior probability = 2.60E-07

CeGaT Center for Human Genetics Tuebingen
Classification: Likely benign. Last evaluated: 2026-06-01. Review status: criteria provided, single submitter. Criteria: CeGaT Center For Human Genetics Tuebingen Variant Classification Criteria Version 2. Collection method: clinical testing. Allele origin: germline. Affected: yes. Observed: 4 variant alleles. Not counted in ClinVar's aggregate classification.
Comment: BRCA2: BS1

Dasa
Classification: Benign for Breast-ovarian cancer, familial, susceptibility to, 2. Last evaluated: 2026-04-03. Review status: criteria provided, single submitter. Criteria: DASA Assertion Criteria. Collection method: clinical testing. Allele origin: germline. Not counted in ClinVar's aggregate classification.
Comment: NM_000059.4(BRCA2):c.7994A>G (p.Asp2665Gly) is a missense variant that results in the substitution of aspartic acid with glycine. Population frequency is inconsistent with a disease-causing role for this variant, observations in unaffected individuals support a benign interpretation, and functional evidence is consistent with no deleterious impact on the gene or gene product. Therefore, based on the currently available evidence, this variant is classified as benign.

Labcorp Genetics (formerly Invitae), Labcorp
Classification: Benign for Hereditary breast ovarian cancer syndrome. Last evaluated: 2026-01-28. Review status: criteria provided, single submitter. Criteria: Invitae Variant Classification Sherloc (09022015). Collection method: clinical testing. Allele origin: germline. Not counted in ClinVar's aggregate classification.

Laboratorio de I+D, Fundación Centro Médico de Asturias
Classification: Uncertain significance for Hereditary cancer-predisposing syndrome. Last evaluated: 2025-07-08. Review status: criteria provided, single submitter. Criteria: ACMG Guidelines, 2015. Collection method: clinical testing. Allele origin: germline. Not counted in ClinVar's aggregate classification.
Comment: PM1+PM2_Supporting

Center for Genomic Medicine, Rigshospitalet, Copenhagen University Hospital
Classification: Benign. Last evaluated: 2025-03-04. Review status: criteria provided, single submitter. Criteria: ACMG Guidelines, 2015. Collection method: clinical testing. Allele origin: germline. Not counted in ClinVar's aggregate classification.

Blueprint Genetics
Classification: Likely benign. Last evaluated: 2024-08-29. Review status: criteria provided, single submitter. Criteria: ACMG Guidelines, 2015. Collection method: clinical testing. Allele origin: germline. Not counted in ClinVar's aggregate classification.

Mendelics
Classification: Benign for Hereditary breast ovarian cancer syndrome. Last evaluated: 2023-08-22. Review status: criteria provided, single submitter. Criteria: Mendelics Assertion Criteria 2019. Collection method: clinical testing. Allele origin: germline. Not counted in ClinVar's aggregate classification.

CHEO Genetics Diagnostic Laboratory, Children's Hospital of Eastern Ontario
Classification: Likely benign for Breast and/or ovarian cancer. Last evaluated: 2023-06-16. Review status: criteria provided, single submitter. Criteria: ACMG Guidelines, 2015. Collection method: clinical testing. Allele origin: germline. Study: Canadian Open Genetics Repository. Not counted in ClinVar's aggregate classification.

ARUP Laboratories, Molecular Genetics and Genomics, ARUP Laboratories
Classification: Likely benign. Last evaluated: 2022-05-27. Review status: criteria provided, single submitter. Criteria: ARUP Molecular Germline Variant Investigation Process 2021. Collection method: clinical testing. Allele origin: germline. Not counted in ClinVar's aggregate classification.

GeneDx
Classification: Likely benign. Last evaluated: 2021-02-03. Review status: criteria provided, single submitter. Criteria: GeneDx Variant Classification Process June 2021. Collection method: clinical testing. Allele origin: germline. Affected: yes. Not counted in ClinVar's aggregate classification.
Comment: This variant is associated with the following publications: (PMID: 17924331, 20104584, 27741520, 28050887, 28758972, 21120943, 18724707, 21952622, 21702907, 21520273, 22505045, 16489001, 19043619, 21990134, 23108138, 20215541, 12474142, 24916970, 28324225, 18559594, 16826315, 20127978, 16758124, 25682074, 24323938, 29394989, 31131967, 32772980, 32438681, 29884841)

Sema4
Classification: Benign for Hereditary cancer-predisposing syndrome. Last evaluated: 2021-01-28. Review status: criteria provided, single submitter. Criteria: Sema4 Curation Guidelines. Collection method: curation. Allele origin: germline. Not counted in ClinVar's aggregate classification.

Genetic Services Laboratory, University of Chicago
Classification: Likely benign. Last evaluated: 2017-09-26. Review status: criteria provided, single submitter. Criteria: ACMG Guidelines, 2015. Collection method: clinical testing. Allele origin: germline. Affected: no. Not counted in ClinVar's aggregate classification.

Illumina Laboratory Services, Illumina
Classification: Uncertain significance for Fanconi anemia complementation group D1. Last evaluated: 2017-04-28. Review status: criteria provided, single submitter. Criteria: ICSL Variant Classification Criteria 13 December 2019. Collection method: clinical testing. Allele origin: germline. Not counted in ClinVar's aggregate classification.

Illumina Laboratory Services, Illumina
Classification: Likely benign for Breast-ovarian cancer, familial, susceptibility to, 2. Last evaluated: 2017-04-28. Review status: criteria provided, single submitter. Criteria: ICSL Variant Classification Criteria 13 December 2019. Collection method: clinical testing. Allele origin: germline. Not counted in ClinVar's aggregate classification.
Comment: This variant was observed as part of a predisposition screen in an ostensibly healthy population. A literature search was performed for the gene, cDNA change, and amino acid change (where applicable). No publications were found based on this search. Allele frequency data from public databases allowed determination this variant is unlikely to cause disease. Therefore, this variant is classified as likely benign.

Laboratory for Molecular Medicine, Mass General Brigham Personalized Medicine
Classification: Uncertain significance. Last evaluated: 2016-10-20. Review status: criteria provided, single submitter. Criteria: LMM Criteria. Collection method: clinical testing. Allele origin: germline. Not counted in ClinVar's aggregate classification.
Comment: Variant identified in a genome or exome case(s) and assessed due to predicted null impact of the variant or pathogenic assertions in the literature or databases. Disclaimer: This variant has not undergone full assessment. The following are preliminary notes: 7 reports in HGMD, 3 describe as neutral/nonpathogenic; ClinVar: 5 labs report as B/LB

Women's Health and Genetics/Laboratory Corporation of America, LabCorp
Classification: Benign. Last evaluated: 2016-01-29. Review status: criteria provided, single submitter. Criteria: LabCorp Variant Classification Summary - May 2015. Collection method: clinical testing. Allele origin: germline. Not counted in ClinVar's aggregate classification.

Color Diagnostics, LLC DBA Color Health
Classification: Likely benign for Hereditary cancer-predisposing syndrome. Last evaluated: 2014-11-24. Review status: criteria provided, single submitter. Criteria: ACMG Guidelines, 2015. Collection method: clinical testing. Allele origin: germline. Not counted in ClinVar's aggregate classification.

Ambry Genetics
Classification: Benign for Hereditary cancer-predisposing syndrome. Last evaluated: 2014-11-19. Review status: criteria provided, single submitter. Criteria: Ambry Variant Classification Scheme 2023. Collection method: clinical testing. Allele origin: germline. Not counted in ClinVar's aggregate classification.

PreventionGenetics, part of Exact Sciences
Classification: Likely benign for BRCA2-related condition. Last evaluated: 2019-07-18. Review status: no assertion criteria provided. Collection method: clinical testing. Allele origin: germline. Not counted in ClinVar's aggregate classification.
Comment: This variant is classified as likely benign based on ACMG/AMP sequence variant interpretation guidelines (Richards et al. 2015 PMID: 25741868, with internal and published modifications).

NM_000059.4(BRCA2):c.7994A>G (p.Asp2665Gly)

Gene: BRCA2 (BRCA2 DNA repair associated; plus strand). Cytogenetic location: 13q13.1.
Variant type: single nucleotide variant.
Coding change: c.7994A>G on transcript NM_000059.4 (MANE Select); coding-DNA position 7994, A replaced by G.
Protein change: p.Asp2665Gly; replaces aspartic acid 2665 with glycine.
Molecular consequence: missense variant.
Genome position (GRCh38, 1-based): chr13:32,363,196, A>G. VCF-style: chr13-32363196-A-G. GRCh37 (hg19) VCF-style: chr13-32937333-A-G.
Other names: p.D2665G:GAT>GGT; 8222A>G; short protein forms D2665G.
Identifiers: ClinVar variation 38134 (VCV000038134.65), dbSNP rs28897745, ClinGen allele CA025390.